The following is an entry in ClinVar:

NM_006939.4(SOS2):c.2786-4C>A

Gene: SOS2 (SOS Ras/Rho guanine nucleotide exchange factor 2; minus strand). Cytogenetic location: 14q21.3.
Variant type: single nucleotide variant.
Coding change: c.2786-4C>A on transcript NM_006939.4 (MANE Select); 4 bases into the intron before coding-DNA position 2786, C replaced by A.
Molecular consequence: intron variant.
Genome position (GRCh38, 1-based): chr14:50,138,788, G>T on the plus strand (C>A on the coding strand, the complement: SOS2 is on the minus strand). VCF-style: chr14-50138788-G-T. GRCh37 (hg19) VCF-style: chr14-50605506-G-T.
Other names: c.2687-4C>A (NM_001411020.1).
Identifiers: ClinVar variation 3035535 (VCV003035535.2), dbSNP rs1368282600, ClinGen allele CA613845763.
Genomic context (GRCh38, chr14:50,138,788, plus strand): 5'-TTTTTAAAAAATCATTATTCCCTTCTTCGGTCTTCAGAATATTTGTTAAATATATTCCTA[G>T]TAAAAAAAAAAAAAGAATTTAAAGAAAAGTTATTTTAAATTTTGTTATTTAATCAATTAT-3'

ClinVar aggregate classification (germline): Likely benign (0 of 4 stars; one submission).

Conditions:
SOS2-related disorder. Also called: SOS2-related condition.

Submission:

PreventionGenetics, part of Exact Sciences
Classification: Likely benign for SOS2-related condition. Last evaluated: 2019-04-16. Review status: no assertion criteria provided. Collection method: clinical testing. Allele origin: germline.
Comment: This variant is classified as likely benign based on ACMG/AMP sequence variant interpretation guidelines (Richards et al. 2015 PMID: 25741868, with internal and published modifications).